The following is an entry in ClinVar:

NM_024079.5(ALG8):c.705del (p.Phe235fs)

Gene: ALG8 (ALG8 alpha-1,3-glucosyltransferase; minus strand). Cytogenetic location: 11q14.1.
Variant type: Deletion.
Coding change: c.705del on transcript NM_024079.5 (MANE Select); coding-DNA position 705, one base deleted (T; older notation c.705delT).
Protein change: p.Phe235fs; shifts the reading frame from phenylalanine 235.
Molecular consequence: frameshift variant. On other transcripts: non-coding transcript variant (2), intron variant (2).
Genome position (GRCh38, 1-based): chr11:78,113,958, A deleted on the plus strand (T on the coding strand, the reverse complement: ALG8 is on the minus strand); the first of 3 consecutive A bases (chr11:78,113,958-78,113,960); deleting any one gives the same sequence. VCF-style (leftmost placement, unchanged base first): chr11-78113957-CA-C. GRCh37 (hg19) VCF-style: chr11-77825003-CA-C.
Other names: c.705del, p.Phe235fs (NM_001007027.3, NM_001425221.1, NM_001425222.1 and 10 more transcripts); c.708del, p.Phe236fs (NM_001425219.1); c.690del, p.Phe230fs (NM_001425220.1); c.798del, p.Phe266fs (NM_001425224.1); c.552del, p.Phe184fs (NM_001425226.1, NM_001425235.1, NM_001425236.1); c.504del, p.Phe168fs (NM_001425231.1); c.441del, p.Phe147fs (NM_001425234.1, NM_001425239.1); c.189del, p.Phe63fs (NM_001425241.1); and 3 more; short protein forms F147fs, F168fs, F184fs, F230fs, F235fs, F236fs, F266fs, F50fs.
Identifiers: ClinVar variation 3347517 (VCV003347517.1).
Genomic context (GRCh38, chr11:78,113,957, plus strand): 5'-AAGGACCCAATGAAAGAGCAGAAACTAAGAAAACAACCAGTCCCAGGGAAATAACACGAA[CA>C]AAGCTGAAACTCTTCCATCGAATAGACCCATCTACAGAAAAGGAACATTATCAGTAACCA-3'

ClinVar aggregate classification (germline): Likely pathogenic (0 of 4 stars; one submission).

Conditions:
ALG8-related disorder.

Submission:

PreventionGenetics, part of Exact Sciences
Classification: Likely pathogenic for ALG8-related condition. Last evaluated: 2024-05-31. Review status: no assertion criteria provided. Collection method: clinical testing. Allele origin: germline.
Comment: The ALG8 c.705delT variant is predicted to result in a frameshift and premature protein termination (p.Phe235Leufs*13). To our knowledge, this variant has not been reported in the literature or in a large population database, indicating this variant is rare. Loss of function is an established mechanism for autosomal recessive congenital disorder of glycosylation 1h (reviewed in Table S2, Albokhari et al. 2022. PubMed ID: 35716054). Recent studies suggested that individuals heterozygous for ALG8 truncating variants were at increased risk of a mild cystic kidney disease (Apple et al. 2023. PubMed ID: 36574950); however, this gene-disease validity is considered limited at this time (ALG8 at ClinGen). This variant is interpreted as likely pathogenic for autosomal recessive congenital disorder of glycosylation 1h, while its clinical significance remains uncertain for autosomal dominant polycystic liver disease with or without kidney cysts.